The following is an entry in ClinVar:

ClinVar aggregate classification (germline): Benign/Likely benign. Review status: criteria provided, multiple submitters, no conflicts (2 of 4 stars). 9 submissions from 9 submitters: Benign (6); Likely benign (3). Last evaluated 2026-05-24.

Conditions:
Cardiovascular phenotype. Identifiers: MedGen CN230736.
Myofibrillar myopathy 4. Also called: Zaspopathy (type). Identifiers: Orphanet 98912, MedGen C4721886, MONDO:0012277, OMIM 609452.

Allele frequency attached by ClinVar (database versions not stated): gnomAD 0.00016 and 0.00017; gnomAD exomes 0.00030 and 0.00189; TOPMed 0.00073; ExAC 0.00141.
gnomAD v4.1: 433 of 1,557,548 alleles (0.028%); highest among the groups gnomAD compares: Admixed American, 0.77%; 7 homozygotes.

Submissions (9):

Women's Health and Genetics/Laboratory Corporation of America, LabCorp
Classification: Benign. Last evaluated: 2026-05-24. Review status: criteria provided, single submitter. Criteria: LabCorp Variant Classification Summary - May 2015. Collection method: clinical testing. Allele origin: germline.

CeGaT Center for Human Genetics Tuebingen
Classification: Likely benign. Last evaluated: 2026-02-01. Review status: criteria provided, single submitter. Criteria: CeGaT Center For Human Genetics Tuebingen Variant Classification Criteria Version 2. Collection method: clinical testing. Allele origin: germline. Affected: yes. Observed: 2 variant alleles.
Comment: LDB3: BP4, BP7

Labcorp Genetics (formerly Invitae), Labcorp
Classification: Benign for Myofibrillar myopathy 4. Last evaluated: 2026-01-21. Review status: criteria provided, single submitter. Criteria: Invitae Variant Classification Sherloc (09022015). Collection method: clinical testing. Allele origin: germline.

ARUP Laboratories, Molecular Genetics and Genomics, ARUP Laboratories
Classification: Benign. Last evaluated: 2023-10-09. Review status: criteria provided, single submitter. Criteria: ARUP Molecular Germline Variant Investigation Process 2024. Collection method: clinical testing. Allele origin: germline.

Ambry Genetics
Classification: Benign for Cardiovascular phenotype. Last evaluated: 2016-07-13. Review status: criteria provided, single submitter. Criteria: Ambry Variant Classification Scheme 2023. Collection method: clinical testing. Allele origin: germline.

Eurofins Ntd Llc (ga)
Classification: Benign. Last evaluated: 2015-08-27. Review status: criteria provided, single submitter. Criteria: EGL Classification Definitions 2015. Collection method: clinical testing. Allele origin: germline. Observed: 1 variant allele, 1 heterozygote.

Laboratory for Molecular Medicine, Mass General Brigham Personalized Medicine
Classification: Likely benign. Last evaluated: 2014-08-21. Review status: criteria provided, single submitter. Criteria: LMM Criteria. Collection method: clinical testing. Allele origin: germline. Observed: 1 variant allele.
Comment: Tyr445Tyr in exon 12 of LDB3: This variant is not expected to have clinical sign ificance because it does not alter an amino acid residue and is not located with in the splice consensus sequence.

GeneDx
Classification: Benign. Last evaluated: 2013-10-14. Review status: criteria provided, single submitter. Criteria: GeneDx Variant Classification (06012015). Collection method: clinical testing. Allele origin: germline. Affected: yes.
Comment: This variant is considered likely benign or benign based on one or more of the following criteria: it is a conservative change, it occurs at a poorly conserved position in the protein, it is predicted to be benign by multiple in silico algorithms, and/or has population frequency not consistent with disease.

Breakthrough Genomics
Classification: Likely benign. Review status: criteria provided, single submitter. Criteria: ACMG Guidelines, 2015. Collection method: not provided. Allele origin: germline. Inheritance: Autosomal dominant inheritance. Affected: yes.

NM_007078.3(LDB3):c.1335C>T (p.Tyr445=)

Gene: LDB3 (LIM domain binding 3; plus strand). Cytogenetic location: 10q23.2.
Variant type: single nucleotide variant.
Coding change: c.1335C>T on transcript NM_007078.3 (MANE Select); coding-DNA position 1335, C replaced by T.
Protein change: p.Tyr445=; no amino-acid change (tyrosine 445 retained).
Molecular consequence: synonymous variant. On other transcripts: genic downstream transcript variant (1).
Genome position (GRCh38, 1-based): chr10:86,716,430, C>T. VCF-style: chr10-86716430-C-T. GRCh37 (hg19) VCF-style: chr10-88476187-C-T.
Other names: p.Y445Y:TAC>TAT; c.*17056C>T (NM_001080116.1); c.1005C>T, p.Tyr335= (NM_001080114.2); c.1350C>T, p.Tyr450= (NM_001171610.2); c.1146C>T, p.Tyr382= (NM_001368064.1, NM_001368065.1); c.1194C>T, p.Tyr398= (NM_001368066.1).
Identifiers: ClinVar variation 138103 (VCV000138103.30), dbSNP rs587781024, ClinGen allele CA295839.
Genomic context (GRCh38, chr10:86,716,430, plus strand): 5'-TCCCACTCCCTACACCCCCTCCCCTGCCCCTGCCTACACCCCCTCCCCTGCCCCTGCCTA[C>T]ACCCCCTCACCTGTCCCCACCTACACTCCATCCCCAGCACCAGCCTATACCCCCTCACCT-3'
Protein context (NP_009009.1, residues 435-455): PAYTPSPAPA[Tyr445=]TPSPVPTYTP